The following is an entry in ClinVar:

ClinVar aggregate classification (germline): Likely benign (1 of 4 stars; one submission).

gnomAD v4.1: 13 of 1,613,990 alleles (0.00081%); highest among the groups gnomAD compares: East Asian, 0.018%; no homozygotes.

Submission:

CeGaT Center for Human Genetics Tuebingen
Classification: Likely benign. Last evaluated: 2026-01-01. Review status: criteria provided, single submitter. Criteria: CeGaT Center For Human Genetics Tuebingen Variant Classification Criteria Version 2. Collection method: clinical testing. Allele origin: germline. Affected: yes. Observed: 1 variant allele.
Comment: MED13: BP4, BP7

NM_005121.3(MED13):c.3777A>G (p.Ser1259=)

Gene: MED13 (mediator complex subunit 13; minus strand). Cytogenetic location: 17q23.2.
Variant type: single nucleotide variant.
Coding change: c.3777A>G on transcript NM_005121.3 (MANE Select); coding-DNA position 3777, A replaced by G.
Protein change: p.Ser1259=; no amino-acid change (serine 1259 retained).
Molecular consequence: synonymous variant.
Genome position (GRCh38, 1-based): chr17:61,982,226, T>C on the plus strand (A>G on the coding strand, the complement: MED13 is on the minus strand). VCF-style: chr17-61982226-T-C. GRCh37 (hg19) VCF-style: chr17-60059587-T-C.
Identifiers: ClinVar variation 4821607 (VCV004821607.4).